The following is an entry in ClinVar:

ClinVar aggregate classification (germline): Uncertain significance (1 of 4 stars; one submission).

Allele frequency attached by ClinVar (database versions not stated): gnomAD 0.00001; gnomAD exomes 0.00001; TOPMed 0.00001; ESP Exome Variant Server 0.00008.
gnomAD v4.1: 20 of 1,613,970 alleles (0.0012%); highest among the groups gnomAD compares: East Asian, 0.0045%; no homozygotes.

Submission:

Labcorp Genetics (formerly Invitae), Labcorp
Classification: Uncertain significance. Last evaluated: 2022-07-02. Review status: criteria provided, single submitter. Criteria: Invitae Variant Classification Sherloc (09022015). Collection method: clinical testing. Allele origin: germline.
Comment: This sequence change replaces arginine, which is basic and polar, with tryptophan, which is neutral and slightly polar, at codon 240 of the LAMC3 protein (p.Arg240Trp). This variant is present in population databases (rs377375857, gnomAD 0.0009%). This variant has not been reported in the literature in individuals affected with LAMC3-related conditions. Algorithms developed to predict the effect of missense changes on protein structure and function (SIFT, PolyPhen-2, Align-GVGD) all suggest that this variant is likely to be disruptive. In summary, the available evidence is currently insufficient to determine the role of this variant in disease. Therefore, it has been classified as a Variant of Uncertain Significance.

NM_006059.4(LAMC3):c.718C>T (p.Arg240Trp)

Gene: LAMC3 (laminin subunit gamma 3; plus strand). Cytogenetic location: 9q34.12.
Variant type: single nucleotide variant.
Coding change: c.718C>T on transcript NM_006059.4 (MANE Select); coding-DNA position 718, C replaced by T.
Protein change: p.Arg240Trp; replaces arginine 240 with tryptophan.
Molecular consequence: missense variant.
Genome position (GRCh38, 1-based): chr9:131,032,084, C>T. VCF-style: chr9-131032084-C-T. GRCh37 (hg19) VCF-style: chr9-133907471-C-T.
Other names: short protein forms R240W.
Identifiers: ClinVar variation 1931188 (VCV001931188.2), dbSNP rs377375857, ClinGen allele CA200678313.